The following is an entry in ClinVar:

NM_001982.4(ERBB3):c.611C>T (p.Thr204Ile)

Gene: ERBB3 (erb-b2 receptor tyrosine kinase 3; plus strand). Cytogenetic location: 12q13.2.
Variant type: single nucleotide variant.
Coding change: c.611C>T on transcript NM_001982.4 (MANE Select); coding-DNA position 611, C replaced by T.
Protein change: p.Thr204Ile; replaces threonine 204 with isoleucine.
Molecular consequence: missense variant.
Genome position (GRCh38, 1-based): chr12:56,087,640, C>T. VCF-style: chr12-56087640-C-T. GRCh37 (hg19) VCF-style: chr12-56481424-C-T.
Other names: NC_000012.11:g.56481424C>T; short protein forms T204I.
Identifiers: ClinVar variation 2643067 (VCV002643067.28), dbSNP rs56107455, ClinGen allele CA6622013.

ClinVar aggregate classification (germline): Conflicting classifications of pathogenicity. Review status: criteria provided, conflicting classifications (1 of 4 stars). 4 submissions from 4 submitters: Uncertain significance (1); Likely benign (3). Last evaluated 2026-03-04.

Conditions:
ERBB3-related disorder. Also called: ERBB3-related condition.

Allele frequency attached by ClinVar (database versions not stated): ExAC 0.00061; 1000 Genomes Project 0.00140; TOPMed 0.00161; gnomAD 0.00167; 1000 Genomes Project 30x 0.00172; ESP Exome Variant Server 0.00215.
gnomAD v4.1: 516 of 1,614,016 alleles (0.032%); highest among the groups gnomAD compares: African/African-American, 0.63%; 1 homozygote.

Submissions (7):

PreventionGenetics, part of Exact Sciences
Classification: Likely benign for ERBB3-related condition. Last evaluated: 2026-03-04. Review status: criteria provided, single submitter. Criteria: ACMG Guidelines, 2015. Collection method: clinical testing. Allele origin: germline.
Comment: This variant is classified as likely benign based on ACMG/AMP sequence variant interpretation guidelines (Richards et al. 2015 PMID: 25741868, with internal and published modifications).

Labcorp Genetics (formerly Invitae), Labcorp
Classification: Likely benign. Last evaluated: 2025-11-26. Review status: criteria provided, single submitter. Criteria: Invitae Variant Classification Sherloc (09022015). Collection method: clinical testing. Allele origin: germline.

Blueprint Genetics
Classification: Uncertain significance. Last evaluated: 2024-09-23. Review status: criteria provided, single submitter. Criteria: ACMG Guidelines, 2015. Collection method: clinical testing. Allele origin: germline.

CeGaT Center for Human Genetics Tuebingen
Classification: Likely benign. Last evaluated: 2022-08-01. Review status: criteria provided, single submitter. Criteria: CeGaT Center For Human Genetics Tuebingen Variant Classification Criteria Version 2. Collection method: clinical testing. Allele origin: germline. Affected: yes. Observed: 1 variant allele.
Comment: ERBB3: BP4

Dr. Peter K. Rogan Lab, Western University
No classification provided (evidence only). Condition: Familial cancer of breast. Review status: no classification provided. Collection method: in vitro. Allele origin: not applicable. Functional consequence: retained intron. Not counted in ClinVar's aggregate classification.

Dr. Peter K. Rogan Lab, Western University
No classification provided (evidence only). Condition: Cervical cancer. Review status: no classification provided. Collection method: in vitro. Allele origin: not applicable. Functional consequence: retained intron. Not counted in ClinVar's aggregate classification.

Dr. Peter K. Rogan Lab, Western University
No classification provided (evidence only). Condition: Ovarian serous cystadenocarcinoma. Review status: no classification provided. Collection method: in vitro. Allele origin: not applicable. Functional consequence: retained intron. Not counted in ClinVar's aggregate classification.